The following is an entry in ClinVar:

NM_001127208.3(TET2):c.1556T>G (p.Phe519Cys)

Genes: TET2 (tet methylcytosine dioxygenase 2; plus strand), TET2-AS1 (TET2 antisense RNA 1; minus strand). Cytogenetic location: 4q24.
Variant type: single nucleotide variant.
Coding change: c.1556T>G on transcript NM_001127208.3 (MANE Select); coding-DNA position 1556, T replaced by G.
Protein change: p.Phe519Cys; replaces phenylalanine 519 with cysteine.
Molecular consequence: missense variant.
Genome position (GRCh38, 1-based): chr4:105,235,498, T>G. VCF-style: chr4-105235498-T-G. GRCh37 (hg19) VCF-style: chr4-106156655-T-G.
Other names: c.1556T>G, p.Phe519Cys (NM_017628.4); short protein forms F519C.
Identifiers: ClinVar variation 3806000 (VCV003806000.1).
Genomic context (GRCh38, chr4:105,235,498, plus strand): 5'-CATTGTGTTCTGAGAAAACAAGACCAATGTCAGAACACCTCAAGCATAACCCACCAATTT[T>G]TGGTAGCAGTGGAGAGCTACAGGACAACTGCCAGCAGTTGATGAGAAACAAAGAGCAAGA-3'
Protein context (NP_001120680.1, residues 509-529): SEHLKHNPPI[Phe519Cys]GSSGELQDNC

ClinVar aggregate classification (germline): Uncertain significance (1 of 4 stars; one submission).

gnomAD v4.1: 3 of 1,614,010 alleles (0.00019%); highest among the groups gnomAD compares: Non-Finnish European, 0.00025%; no homozygotes.

Submission:

Ambry Genetics
Classification: Uncertain significance. Last evaluated: 2025-01-24. Review status: criteria provided, single submitter. Criteria: Ambry Variant Classification Scheme 2023. Collection method: clinical testing. Allele origin: germline.
Comment: The p.F519C variant (also known as c.1556T>G), located in coding exon 1 of the TET2 gene, results from a T to G substitution at nucleotide position 1556. The phenylalanine at codon 519 is replaced by cysteine, an amino acid with highly dissimilar properties. This amino acid position is conserved. In addition, this alteration is predicted to be tolerated by in silico analysis. Based on the available evidence, the clinical significance of this variant remains unclear.